The following is an entry in ClinVar:

NM_016203.4(PRKAG2):c.1228C>A (p.Leu410Ile)

Gene: PRKAG2 (protein kinase AMP-activated non-catalytic subunit gamma 2; minus strand). Cytogenetic location: 7q36.1.
Variant type: single nucleotide variant.
Coding change: c.1228C>A on transcript NM_016203.4 (MANE Select); coding-DNA position 1228, C replaced by A.
Protein change: p.Leu410Ile; replaces leucine 410 with isoleucine.
Molecular consequence: missense variant.
Genome position (GRCh38, 1-based): chr7:151,568,721, G>T on the plus strand (C>A on the coding strand, the complement: PRKAG2 is on the minus strand). VCF-style: chr7-151568721-G-T. GRCh37 (hg19) VCF-style: chr7-151265807-G-T.
Other names: c.1096C>A, p.Leu366Ile (NM_001040633.2, NM_001407024.1); c.853C>A, p.Leu285Ile (NM_001304527.2, NM_001407029.1); c.505C>A, p.Leu169Ile (NM_001304531.2, NM_024429.2, NM_001407034.1 and 1 more transcripts); c.856C>A, p.Leu286Ile (NM_001363698.2, NM_001407028.1); c.1228C>A, p.Leu410Ile (NM_001407021.1); c.1225C>A, p.Leu409Ile (NM_001407022.1, NM_001407023.1); c.1093C>A, p.Leu365Ile (NM_001407026.1, NM_001407027.1); c.502C>A, p.Leu168Ile (NM_001407039.1, NM_001407040.1, NM_001407036.1); and 6 more; short protein forms L168I, L169I, L185I, L189I, L285I, L286I, L302I, L304I.
Identifiers: ClinVar variation 3073305 (VCV003073305.1), dbSNP rs2536327633, ClinGen allele CA370071413.

ClinVar aggregate classification (germline): Uncertain significance (1 of 4 stars; one submission).

Conditions:
Hypertrophic cardiomyopathy. Also called: HYPERTROPHIC MYOCARDIOPATHY. Identifiers: Orphanet 217569, MedGen C0007194, MeSH D002312, MONDO:0005045, HP:0001639.

Allele frequency attached by ClinVar (database versions not stated): gnomAD exomes below 0.00001.
gnomAD v4.1: 1 of 1,613,722 alleles (0.000062%); highest among the groups gnomAD compares: Non-Finnish European, 0.000085%; no homozygotes.

Submission:

All of Us Research Program, National Institutes of Health
Classification: Uncertain significance for Hypertrophic cardiomyopathy. Last evaluated: 2023-09-04. Review status: criteria provided, single submitter. Criteria: ACMG Guidelines, 2015. Collection method: clinical testing. Allele origin: germline. Inheritance: Autosomal dominant inheritance. Observed: 1 variant allele, 1 heterozygote.
Comment: This missense variant replaces leucine with isoleucine at codon 410 of the PRKAG2 protein. Computational prediction is inconclusive regarding the impact of this variant on protein structure and function (internally defined REVEL score threshold 0.5 < inconclusive < 0.7, PMID: 27666373). To our knowledge, functional studies have not been reported for this variant. This variant has not been reported in individuals affected with PRKAG2-related disorders in the literature. This variant has not been identified in the general population by the Genome Aggregation Database (gnomAD). The available evidence is insufficient to determine the role of this variant in disease conclusively. Therefore, this variant is classified as a Variant of Uncertain Significance.

This study involves interpretation of variants in research participants for the purpose of population health screening. Participant phenotype was not available at the time of variant classification. Additional details can be found in publication PMID: 35346344, PMCID: PMC8962531